The following is an entry in ClinVar:

ClinVar aggregate classification (germline): Likely benign. Review status: criteria provided, multiple submitters, no conflicts (2 of 4 stars). 2 submissions from 2 submitters: Likely benign (2). Last evaluated 2025-11-01.

gnomAD v4.1: 83 of 1,203,933 alleles (0.0069%); highest among the groups gnomAD compares: Middle Eastern, 0.023%; no homozygotes.

Submissions (2):

CeGaT Center for Human Genetics Tuebingen
Classification: Likely benign. Last evaluated: 2025-11-01. Review status: criteria provided, single submitter. Criteria: CeGaT Center For Human Genetics Tuebingen Variant Classification Criteria Version 2. Collection method: clinical testing. Allele origin: germline. Affected: yes. Observed: 1 variant allele.
Comment: IRAK1: BP4, BS2

Ambry Genetics
Classification: Likely benign. Last evaluated: 2025-04-16. Review status: criteria provided, single submitter. Criteria: Ambry Variant Classification Scheme 2023. Collection method: clinical testing. Allele origin: germline.

NM_001569.4(IRAK1):c.1626G>A (p.Pro542=)

Gene: IRAK1 (interleukin 1 receptor associated kinase 1; minus strand). Cytogenetic location: Xq28.
Variant type: single nucleotide variant.
Coding change: c.1626G>A on transcript NM_001569.4 (MANE Select); coding-DNA position 1626, G replaced by A.
Protein change: p.Pro542=; no amino-acid change (proline 542 retained).
Molecular consequence: synonymous variant. On other transcripts: intron variant (2).
Genome position (GRCh38, 1-based): chrX:154,013,347, C>T on the plus strand (G>A on the coding strand, the complement: IRAK1 is on the minus strand). VCF-style: chrX-154013347-C-T. GRCh37 (hg19) VCF-style: chrX-153278798-C-T.
Other names: c.1389G>A, p.Pro463= (NM_001025243.2); c.1540-4G>A (NM_001025242.2); c.1618-4G>A (NM_001410701.1).
Identifiers: ClinVar variation 4039477 (VCV004039477.7).